The following is an entry in ClinVar:

ClinVar aggregate classification (germline): Conflicting classifications of pathogenicity. Review status: criteria provided, conflicting classifications (1 of 4 stars). 2 submissions from 2 submitters: Uncertain significance (1); Benign (1). Last evaluated 2025-07-31.

Conditions:
Acroosteolysis-keloid-like lesions-premature aging syndrome. Also called: Premature aging syndrome, Penttinen type; Prematurely aged appearance, delayed bone maturation, acro-osteolysis, and brachydactyly; Progeroid syndrome, Penttinen type. Identifiers: Orphanet 363665, MedGen C1866182, MONDO:0011150, OMIM 601812.
Skeletal overgrowth-craniofacial dysmorphism-hyperelastic skin-white matter lesions syndrome. Also called: SKELETAL OVERGROWTH WITH FACIAL DYSMORPHISM, HYPERELASTIC SKIN, WHITE MATTER LESIONS, AND NEUROLOGIC DETERIORATION; Kosaki overgrowth syndrome. Identifiers: Orphanet 477831, MedGen C4225270, MONDO:0014704, OMIM 616592.
Infantile myofibromatosis (IMF). Also called: Congenital generalized fibromatosis. Identifiers: Orphanet 2591, MedGen C0432284, MONDO:0016824.
Basal ganglia calcification, idiopathic, 4 (PFBC4). Also called: Familial Idiopathic Basal Ganglia Calcification 4; PRIMARY FAMILIAL BRAIN CALCIFICATION 4, AUTOSOMAL DOMINANT. Identifiers: Orphanet 1980, MedGen C3554321, MONDO:0014004, OMIM 615007.
PDGFRB-related disorder. Also called: PDGFRB-related condition.

Allele frequency attached by ClinVar (database versions not stated): ESP Exome Variant Server 0.00023.
gnomAD v4.1: 52 of 1,613,532 alleles (0.0032%); highest among the groups gnomAD compares: Non-Finnish European, 0.00059%; no homozygotes.

Submissions (2):

Labcorp Genetics (formerly Invitae), Labcorp
Classification: Benign for Basal ganglia calcification, idiopathic, 4; Skeletal overgrowth-craniofacial dysmorphism-hyperelastic skin-white matter lesions syndrome; Infantile myofibromatosis; Acroosteolysis-keloid-like lesions-premature aging syndrome. Last evaluated: 2025-07-31. Review status: criteria provided, single submitter. Criteria: Invitae Variant Classification Sherloc (09022015). Collection method: clinical testing. Allele origin: germline.

PreventionGenetics, part of Exact Sciences
Classification: Uncertain significance for PDGFRB-related condition. Last evaluated: 2023-05-11. Review status: criteria provided, single submitter. Criteria: ACMG Guidelines, 2015. Collection method: clinical testing. Allele origin: germline.
Comment: The PDGFRB c.11C>A variant is predicted to result in the amino acid substitution p.Pro4Gln. To our knowledge, this variant has not been reported in the literature. This variant is reported in 0.14% of alleles in individuals of Ashkenazi Jewish descent in gnomAD. Although we suspect that this variant may be benign, at this time, the clinical significance of this variant is uncertain due to the absence of conclusive functional and genetic evidence.

NM_002609.4(PDGFRB):c.11C>A (p.Pro4Gln)

Gene: PDGFRB (platelet derived growth factor receptor beta; minus strand). Cytogenetic location: 5q32.
Variant type: single nucleotide variant.
Coding change: c.11C>A on transcript NM_002609.4 (MANE Select); coding-DNA position 11, C replaced by A.
Protein change: p.Pro4Gln; replaces proline 4 with glutamine.
Molecular consequence: missense variant. On other transcripts: 5 prime UTR variant (1), intron variant (1).
Genome position (GRCh38, 1-based): chr5:150,137,037, G>T on the plus strand (C>A on the coding strand, the complement: PDGFRB is on the minus strand). VCF-style: chr5-150137037-G-T. GRCh37 (hg19) VCF-style: chr5-149516600-G-T.
Other names: c.-507C>A (NM_001355017.2); c.-152-1159C>A (NM_001355016.2); short protein forms P4Q.
Identifiers: ClinVar variation 2635001 (VCV002635001.2), dbSNP rs144923639, ClinGen allele CA3508462.